The following is an entry in ClinVar:

NM_006231.4(POLE):c.4003C>G (p.Gln1335Glu)

Gene: POLE (DNA polymerase epsilon, catalytic subunit; minus strand). Cytogenetic location: 12q24.33.
Variant type: single nucleotide variant.
Coding change: c.4003C>G on transcript NM_006231.4 (MANE Select); coding-DNA position 4003, C replaced by G.
Protein change: p.Gln1335Glu; replaces glutamine 1335 with glutamic acid.
Molecular consequence: missense variant.
Genome position (GRCh38, 1-based): chr12:132,649,308, G>C on the plus strand (C>G on the coding strand, the complement: POLE is on the minus strand). VCF-style: chr12-132649308-G-C. GRCh37 (hg19) VCF-style: chr12-133225894-G-C.
Other names: short protein forms Q1335E.
Identifiers: ClinVar variation 2004303 (VCV002004303.4), dbSNP rs2042361612, ClinGen allele CA387384615.
Genomic context (GRCh38, chr12:132,649,308, plus strand): 5'-ACCCCCTCCCTGGGCCATCAGCAGAGCCACTGCCCTCCCCTTGGATCAAGGTCTATACCT[G>C]CACAATCTGCCACGGAAGGTCCAGGATGCTGCGGGCAGTTCTTCGCAAGAAGCTCCCCAG-3'
Protein context (NP_006222.2, residues 1325-1345): SILDLPWQIV[Gln1335Glu]ISETSQAGLF

ClinVar aggregate classification (germline): Uncertain significance (1 of 4 stars; one submission).

gnomAD v4.1: 1 of 1,613,442 alleles (0.000062%); no homozygotes.

Submission:

Labcorp Genetics (formerly Invitae), Labcorp
Classification: Uncertain significance. Last evaluated: 2025-06-23. Review status: criteria provided, single submitter. Criteria: Invitae Variant Classification Sherloc (09022015). Collection method: clinical testing. Allele origin: germline.
Comment: This sequence change replaces glutamine, which is neutral and polar, with glutamic acid, which is acidic and polar, at codon 1335 of the POLE protein (p.Gln1335Glu). This variant is not present in population databases (gnomAD no frequency). This variant has not been reported in the literature in individuals affected with POLE-related conditions. ClinVar contains an entry for this variant (Variation ID: 2004303). An algorithm developed to predict the effect of missense changes on protein structure and function (PolyPhen-2) suggests that this variant is likely to be disruptive. In summary, the available evidence is currently insufficient to determine the role of this variant in disease. Therefore, it has been classified as a Variant of Uncertain Significance.